The following is an entry in ClinVar:

NM_001040108.2(MLH3):c.2309C>G (p.Thr770Arg)

Gene: MLH3 (mutL homolog 3; minus strand). Cytogenetic location: 14q24.3.
Variant type: single nucleotide variant.
Coding change: c.2309C>G on transcript NM_001040108.2 (MANE Select); coding-DNA position 2309, C replaced by G.
Protein change: p.Thr770Arg; replaces threonine 770 with arginine.
Molecular consequence: missense variant.
Genome position (GRCh38, 1-based): chr14:75,047,347, G>C on the plus strand (C>G on the coding strand, the complement: MLH3 is on the minus strand). VCF-style: chr14-75047347-G-C. GRCh37 (hg19) VCF-style: chr14-75514050-G-C.
Other names: c.2309C>G, p.Thr770Arg (NM_014381.3); short protein forms T770R.
Identifiers: ClinVar variation 4055478 (VCV004055478.1).

ClinVar aggregate classification (germline): Uncertain significance (1 of 4 stars; one submission).

Submission:

Ambry Genetics
Classification: Uncertain significance. Last evaluated: 2025-04-07. Review status: criteria provided, single submitter. Criteria: Ambry Variant Classification Scheme 2023. Collection method: clinical testing. Allele origin: germline.
Comment: The p.T770R variant (also known as c.2309C>G), located in coding exon 1 of the MLH3 gene, results from a C to G substitution at nucleotide position 2309. The threonine at codon 770 is replaced by arginine, an amino acid with similar properties. This amino acid position is conserved. In addition, this alteration is predicted to be tolerated by in silico analysis. Based on the available evidence, the clinical significance of this variant remains unclear.